The following is an entry in ClinVar:

NM_014874.4(MFN2):c.638T>A (p.Ile213Asn)

Gene: MFN2 (mitofusin 2; plus strand). Cytogenetic location: 1p36.22.
Variant type: single nucleotide variant.
Coding change: c.638T>A on transcript NM_014874.4 (MANE Select); coding-DNA position 638, T replaced by A.
Protein change: p.Ile213Asn; replaces isoleucine 213 with asparagine.
Molecular consequence: missense variant.
Genome position (GRCh38, 1-based): chr1:11,998,808, T>A. VCF-style: chr1-11998808-T-A. GRCh37 (hg19) VCF-style: chr1-12058865-T-A.
Other names: c.638T>A, p.Ile213Asn (NM_001127660.2); short protein forms I213N.
Identifiers: ClinVar variation 801443 (VCV000801443.2), dbSNP rs1557524703, ClinGen allele CA338437954.

ClinVar aggregate classification (germline): Likely pathogenic. Review status: criteria provided, multiple submitters, no conflicts (2 of 4 stars). 2 submissions from 2 submitters: Likely pathogenic (2). Last evaluated 2025-04-27.

Conditions:
Charcot-Marie-Tooth disease type 2. Also called: Charcot-Marie-Tooth type 2. Identifiers: Orphanet 64746, MedGen C0270914, MONDO:0018993.
Charcot-Marie-Tooth disease type 2A2. Also called: CHARCOT-MARIE-TOOTH DISEASE, AXONAL, TYPE 2A2; CHARCOT-MARIE-TOOTH DISEASE, NEURONAL, TYPE 2A2; HEREDITARY MOTOR AND SENSORY NEUROPATHY IIA2; HMSN IIA2; CHARCOT-MARIE-TOOTH DISEASE, AXONAL, AUTOSOMAL DOMINANT, TYPE 2A2A; Charcot-Marie-Tooth Neuropathy Type 2A2. Identifiers: Orphanet 99947, MedGen C4721887, MONDO:0012231, OMIM 609260.

Submissions (2):

Labcorp Genetics (formerly Invitae), Labcorp
Classification: Likely pathogenic for Charcot-Marie-Tooth disease type 2. Last evaluated: 2025-04-27. Review status: criteria provided, single submitter. Criteria: Invitae Variant Classification Sherloc (09022015). Collection method: clinical testing. Allele origin: germline.
Comment: This sequence change replaces isoleucine, which is neutral and non-polar, with asparagine, which is neutral and polar, at codon 213 of the MFN2 protein (p.Ile213Asn). This variant is not present in population databases (gnomAD no frequency). This variant has not been reported in the literature in individuals affected with MFN2-related conditions. ClinVar contains an entry for this variant (Variation ID: 801443). Invitae Evidence Modeling of protein sequence and biophysical properties (such as structural, functional, and spatial information, amino acid conservation, physicochemical variation, residue mobility, and thermodynamic stability) indicates that this missense variant is expected to disrupt MFN2 protein function with a positive predictive value of 95%. This variant disrupts the p.Ile213 amino acid residue in MFN2. Other variant(s) that disrupt this residue have been determined to be pathogenic (PMID: 16043786, 19812251; internal data). This suggests that this residue is clinically significant, and that variants that disrupt this residue are likely to be disease-causing. In summary, the currently available evidence indicates that the variant is pathogenic, but additional data are needed to prove that conclusively. Therefore, this variant has been classified as Likely Pathogenic.

Mendelics
Classification: Likely pathogenic for Charcot-Marie-Tooth disease type 2A2. Last evaluated: 2019-05-28. Review status: criteria provided, single submitter. Criteria: Mendelics Assertion Criteria 2017. Collection method: clinical testing. Allele origin: unknown.

Literature cited by the submitters: PubMed 16043786 (cited by Labcorp Genetics (formerly Invitae), Labcorp); PubMed 19812251 (cited by Labcorp Genetics (formerly Invitae), Labcorp).